The following is an entry in ClinVar:

ClinVar aggregate classification (germline): Uncertain significance (1 of 4 stars; one submission).

Conditions:
Camptomelic dysplasia (CMPD). Also called: CMPD1/SRA1; Campomelic Dysplasia. Identifiers: Orphanet 140, MedGen C1861922, MONDO:0007251, OMIM 114290.

Allele frequency attached by ClinVar (database versions not stated): TOPMed below 0.00001; ExAC 0.00001; gnomAD 0.00002; gnomAD exomes 0.00002.

Submission:

Labcorp Genetics (formerly Invitae), Labcorp
Classification: Uncertain significance for Camptomelic dysplasia. Last evaluated: 2025-02-25. Review status: criteria provided, single submitter. Criteria: Invitae Variant Classification Sherloc (09022015). Collection method: clinical testing. Allele origin: germline.
Comment: This sequence change replaces glycine, which is neutral and non-polar, with serine, which is neutral and polar, at codon 461 of the SOX9 protein (p.Gly461Ser). This variant is present in population databases (rs749321589, gnomAD 0.005%). This variant has not been reported in the literature in individuals affected with SOX9-related conditions. ClinVar contains an entry for this variant (Variation ID: 2202485). An algorithm developed to predict the effect of missense changes on protein structure and function outputs the following: PolyPhen-2: "Benign". The serine amino acid residue is found in multiple mammalian species, which suggests that this missense change does not adversely affect protein function. In summary, the available evidence is currently insufficient to determine the role of this variant in disease. Therefore, it has been classified as a Variant of Uncertain Significance.

NM_000346.4(SOX9):c.1381G>A (p.Gly461Ser)

Gene: SOX9 (SRY-box transcription factor 9; plus strand). Cytogenetic location: 17q24.3.
Variant type: single nucleotide variant.
Coding change: c.1381G>A on transcript NM_000346.4 (MANE Select); coding-DNA position 1381, G replaced by A.
Protein change: p.Gly461Ser; replaces glycine 461 with serine.
Molecular consequence: missense variant.
Genome position (GRCh38, 1-based): chr17:72,124,238, G>A. VCF-style: chr17-72124238-G-A. GRCh37 (hg19) VCF-style: chr17-70120379-G-A.
Other names: short protein forms G461S.
Identifiers: ClinVar variation 2202485 (VCV002202485.4), dbSNP rs749321589, ClinGen allele CA8739155.